The following is an entry in ClinVar:

ClinVar aggregate classification (germline): Uncertain significance (1 of 4 stars; one submission).

Submission:

Labcorp Genetics (formerly Invitae), Labcorp
Classification: Uncertain significance. Last evaluated: 2024-11-08. Review status: criteria provided, single submitter. Criteria: Invitae Variant Classification Sherloc (09022015). Collection method: clinical testing. Allele origin: germline.
Comment: This sequence change replaces leucine, which is neutral and non-polar, with histidine, which is basic and polar, at codon 359 of the FBN3 protein (p.Leu359His). This variant is not present in population databases (gnomAD no frequency). This variant has not been reported in the literature in individuals affected with FBN3-related conditions. Invitae Evidence Modeling of protein sequence and biophysical properties (such as structural, functional, and spatial information, amino acid conservation, physicochemical variation, residue mobility, and thermodynamic stability) indicates that this missense variant is not expected to disrupt FBN3 protein function with a negative predictive value of 80%. In summary, the available evidence is currently insufficient to determine the role of this variant in disease. Therefore, it has been classified as a Variant of Uncertain Significance.

NM_032447.5(FBN3):c.1076T>A (p.Leu359His)

Gene: FBN3 (fibrillin 3; minus strand). Cytogenetic location: 19p13.2.
Variant type: single nucleotide variant.
Coding change: c.1076T>A on transcript NM_032447.5 (MANE Select); coding-DNA position 1076, T replaced by A.
Protein change: p.Leu359His; replaces leucine 359 with histidine.
Molecular consequence: missense variant.
Genome position (GRCh38, 1-based): chr19:8,138,266, A>T on the plus strand (T>A on the coding strand, the complement: FBN3 is on the minus strand). VCF-style: chr19-8138266-A-T. GRCh37 (hg19) VCF-style: chr19-8203150-A-T.
Other names: c.1076T>A, p.Leu359His (NM_001321431.2); short protein forms L359H.
Identifiers: ClinVar variation 3667011 (VCV003667011.2).
Genomic context (GRCh38, chr19:8,138,266, plus strand): 5'-CGCGCTGGCCCAAGAGGGGGACCCATGCCATTGGATCCGAAGCCCAGGAGGCCAGGGAAG[A>T]GGCCAGGGTGGCCGGGTAGCAGCGGCAGCCGCTGGGCGCACAGTTGCTGGAATTCATCTG-3'
Protein context (NP_115823.3, residues 349-369): RLPLLPGHPG[Leu359His]FPGLLGFGSN